The following is an entry in ClinVar:

NM_032043.3(BRIP1):c.136_137del (p.Pro47fs)

Gene: BRIP1 (BRCA1 interacting DNA helicase 1; minus strand). Cytogenetic location: 17q23.2.
Variant type: Microsatellite.
Coding change: c.136_137del on transcript NM_032043.3 (MANE Select); coding-DNA positions 136 to 137, 2 bases deleted (AG; older notation c.136_137delAG).
Protein change: p.Pro47fs; shifts the reading frame from proline 47.
Molecular consequence: frameshift variant.
Genome position (GRCh38, 1-based): chr17:61,859,864-61,859,865, CT deleted on the plus strand (AG on the coding strand, the reverse complement: BRIP1 is on the minus strand); deleting any 2 consecutive bases within chr17:61,859,864-61,859,868 gives the same sequence; the c. name uses the placement nearest the transcript's 3' end. VCF-style (leftmost placement, unchanged base first): chr17-61859863-ACT-A. GRCh37 (hg19) VCF-style: chr17-59937224-ACT-A.
Other names: c.133_134GA[1], p.Pro47Hisfs (NM_032043.2); c.136_137delAG (NM_032043.2); short protein forms P47fs.
Identifiers: ClinVar variation 3228086 (VCV003228086.1), dbSNP rs2545472704, ClinGen allele CA2825002582.

ClinVar aggregate classification (germline): Pathogenic (1 of 4 stars; one submission).

Conditions:
Hereditary cancer-predisposing syndrome. Also called: Neoplastic Syndromes, Hereditary; Tumor predisposition; Hereditary neoplastic syndrome; Hereditary Cancer Syndrome. Identifiers: Orphanet 140162, MedGen C0027672, MeSH D009386, MONDO:0015356.

Submission:

Ambry Genetics
Classification: Pathogenic for Hereditary cancer-predisposing syndrome. Last evaluated: 2023-11-03. Review status: criteria provided, single submitter. Criteria: Ambry Variant Classification Scheme 2023. Collection method: clinical testing. Allele origin: germline.
Comment: The c.136_137delAG pathogenic mutation, located in coding exon 2 of the BRIP1 gene, results from a deletion of two nucleotides at nucleotide positions 136 to 137, causing a translational frameshift with a predicted alternate stop codon (p.P47Hfs*21). This variant is considered to be rare based on population cohorts in the Genome Aggregation Database (gnomAD). This alteration is expected to result in loss of function by premature protein truncation or nonsense-mediated mRNA decay. As such, this alteration is interpreted as a disease-causing mutation.